The following is an entry in ClinVar:

ClinVar aggregate classification (germline): Uncertain significance (1 of 4 stars; one submission).

Conditions:
Hereditary spastic paraplegia 30. Identifiers: Orphanet 101010, MedGen C5235139, MONDO:0012476.
Neuropathy, hereditary sensory, type 2C. Also called: KIF1A-Related HSAN2 (HSAN2C); Hereditary sensory and autonomic neuropathy type IIC. Identifiers: Orphanet 970, MedGen C3280168, MONDO:0013634, OMIM 614213.
Intellectual disability, autosomal dominant 9 (NESCAVS). Also called: KIF1A-Related Neurodevelopmental Disorder; NESCAV SYNDROME. Identifiers: Orphanet 662367, MedGen C5393830, MONDO:0013656, OMIM 614255.

Submission:

Labcorp Genetics (formerly Invitae), Labcorp
Classification: Uncertain significance for Hereditary spastic paraplegia 30; Neuropathy, hereditary sensory, type 2C; Intellectual disability, autosomal dominant 9. Last evaluated: 2022-09-22. Review status: criteria provided, single submitter. Criteria: Invitae Variant Classification Sherloc (09022015). Collection method: clinical testing. Allele origin: germline.
Comment: This sequence change replaces lysine, which is basic and polar, with glutamine, which is neutral and polar, at codon 1637 of the KIF1A protein (p.Lys1637Gln). This variant is not present in population databases (gnomAD no frequency). This variant has not been reported in the literature in individuals affected with KIF1A-related conditions. ClinVar contains an entry for this variant (Variation ID: 1480109). Algorithms developed to predict the effect of missense changes on protein structure and function are either unavailable or do not agree on the potential impact of this missense change (SIFT: "Deleterious"; PolyPhen-2: "Benign"; Align-GVGD: "Class C0"). In summary, the available evidence is currently insufficient to determine the role of this variant in disease. Therefore, it has been classified as a Variant of Uncertain Significance.

NM_001244008.2(KIF1A):c.5212A>C (p.Lys1738Gln)

Gene: KIF1A (kinesin family member 1A; minus strand). Cytogenetic location: 2q37.3.
Variant type: single nucleotide variant.
Coding change: c.5212A>C on transcript NM_001244008.2 (MANE Select); coding-DNA position 5212, A replaced by C.
Protein change: p.Lys1738Gln; replaces lysine 1738 with glutamine.
Molecular consequence: missense variant. On other transcripts: intron variant (1).
Genome position (GRCh38, 1-based): chr2:240,719,008, T>G on the plus strand (A>C on the coding strand, the complement: KIF1A is on the minus strand). VCF-style: chr2-240719008-T-G. GRCh37 (hg19) VCF-style: chr2-241658425-T-G.
Other names: c.4936A>C, p.Lys1646Gln (NM_001320705.2, NM_001379649.1); c.4963A>C, p.Lys1655Gln (NM_001330289.2); c.5011A>C, p.Lys1671Gln (NM_001330290.2, NM_001379648.1); c.5287A>C, p.Lys1763Gln (NM_001379631.1); c.5188A>C, p.Lys1730Gln (NM_001379632.1); c.5185A>C, p.Lys1729Gln (NM_001379633.1, NM_001379645.1); c.5038A>C, p.Lys1680Gln (NM_001379634.1); c.5035A>C, p.Lys1679Gln (NM_001379635.1, NM_001379646.1); and 8 more; short protein forms K1637Q, K1680Q, K1645Q, K1662Q, K1730Q, K1636Q, K1646Q, K1655Q.
Identifiers: ClinVar variation 1480109 (VCV001480109.6), dbSNP rs2125566852, ClinGen allele CA351297869.